The following is an entry in ClinVar:

NM_000146.4(FTL):c.234C>T (p.Leu78=)

Gene: FTL (ferritin light chain; plus strand). Cytogenetic location: 19q13.33.
Variant type: single nucleotide variant.
Coding change: c.234C>T on transcript NM_000146.4 (MANE Select); coding-DNA position 234, C replaced by T.
Protein change: p.Leu78=; no amino-acid change (leucine 78 retained).
Molecular consequence: synonymous variant.
Genome position (GRCh38, 1-based): chr19:48,965,901, C>T. VCF-style: chr19-48965901-C-T. GRCh37 (hg19) VCF-style: chr19-49469158-C-T.
Identifiers: ClinVar variation 893262 (VCV000893262.10), dbSNP rs559383814, ClinGen allele CA9562474.
Genomic context (GRCh38, chr19:48,965,901, plus strand): 5'-GAAGCGCGAGGGCTACGAGCGTCTCCTGAAGATGCAAAACCAGCGTGGCGGCCGCGCTCT[C>T]TTCCAGGACATCAAGGTAACTAGTGTGTGGGTAATGGACTACATCTCCCAGCAGGCCGTG-3'
Protein context (NP_000137.2, residues 68-88): KMQNQRGGRA[Leu78=]FQDIKKPAED

ClinVar aggregate classification (germline): Benign. Review status: criteria provided, multiple submitters, no conflicts (2 of 4 stars). 5 submissions from 4 submitters: Benign (4). 1 of the submissions does not count toward it. Last evaluated 2025-10-15.

Conditions:
Neuroferritinopathy (NBIA3). Also called: NEURODEGENERATION WITH BRAIN IRON ACCUMULATION 3; BASAL GANGLIA DISEASE, ADULT-ONSET. Identifiers: Orphanet 157846, MedGen C1853578, MONDO:0011638, OMIM 606159.
FTL-related disorder. Also called: FTL-related condition.
Hereditary hyperferritinemia with congenital cataracts. Also called: Hereditary hyperferritinemia cataract syndrome; Bonneau-Beaumont syndrome; HYPERFERRITINEMIA WITH OR WITHOUT CATARACT. Identifiers: Orphanet 163, MedGen C1833213, MONDO:0010952, OMIM 600886.

Allele frequency attached by ClinVar (database versions not stated): gnomAD below 0.00001 and 0.00009; gnomAD exomes 0.00020 and 0.00037; 1000 Genomes Project 30x 0.00031; 1000 Genomes Project 0.00040; ExAC 0.00040.
gnomAD v4.1: 306 of 1,614,170 alleles (0.019%); highest among the groups gnomAD compares: South Asian, 0.32%; 5 homozygotes.

Submissions (5):

Labcorp Genetics (formerly Invitae), Labcorp
Classification: Benign for Neuroferritinopathy; Hereditary hyperferritinemia with congenital cataracts. Last evaluated: 2025-10-15. Review status: criteria provided, single submitter. Criteria: Invitae Variant Classification Sherloc (09022015). Collection method: clinical testing. Allele origin: germline.

Illumina Laboratory Services, Illumina
Classification: Benign for Hereditary hyperferritinemia with congenital cataracts. Last evaluated: 2018-01-13. Review status: criteria provided, single submitter. Criteria: ICSL Variant Classification Criteria 13 December 2019. Collection method: clinical testing. Allele origin: germline.
Comment: This variant was observed in the ICSL laboratory as part of a predisposition screen in an ostensibly healthy population. It had not been previously curated by ICSL or reported in the Human Gene Mutation Database (HGMD: prior to June 1st, 2018), and was therefore a candidate for classification through an automated scoring system. Utilizing variant allele frequency, disease prevalence and penetrance estimates, and inheritance mode, an automated score was calculated to assess if this variant is too frequent to cause the disease. Based on the score and internal cut-off values, a variant classified as benign is not then subjected to further curation. The score for this variant resulted in a classification of benign for this disease.

Illumina Laboratory Services, Illumina
Classification: Benign for Neuroferritinopathy. Last evaluated: 2018-01-13. Review status: criteria provided, single submitter. Criteria: ICSL Variant Classification Criteria 13 December 2019. Collection method: clinical testing. Allele origin: germline.
Comment: the same text as in the submission from Illumina Laboratory Services, Illumina above.

Breakthrough Genomics
Classification: Benign. Review status: criteria provided, single submitter. Criteria: ACMG Guidelines, 2015. Collection method: not provided. Allele origin: germline. Inheritance: Autosomal recessive inheritance. Affected: yes.

PreventionGenetics, part of Exact Sciences
Classification: Likely benign for FTL-related condition. Last evaluated: 2021-02-16. Review status: no assertion criteria provided. Collection method: clinical testing. Allele origin: germline. Not counted in ClinVar's aggregate classification.
Comment: This variant is classified as likely benign based on ACMG/AMP sequence variant interpretation guidelines (Richards et al. 2015 PMID: 25741868, with internal and published modifications).